The following is an entry in ClinVar:

ClinVar aggregate classification (germline): Uncertain significance (1 of 4 stars; one submission).

Submission:

Labcorp Genetics (formerly Invitae), Labcorp
Classification: Uncertain significance. Last evaluated: 2025-05-21. Review status: criteria provided, single submitter. Criteria: Invitae Variant Classification Sherloc (09022015). Collection method: clinical testing. Allele origin: germline.
Comment: This sequence change replaces methionine, which is neutral and non-polar, with threonine, which is neutral and polar, at codon 1028 of the ERBIN protein (p.Met1028Thr). This variant is not present in population databases (gnomAD no frequency). This variant has not been reported in the literature in individuals affected with ERBIN-related conditions. ClinVar contains an entry for this variant (Variation ID: 1345947). An algorithm developed to predict the effect of missense changes on protein structure and function (PolyPhen-2) suggests that this variant is likely to be tolerated. In summary, the available evidence is currently insufficient to determine the role of this variant in disease. Therefore, it has been classified as a Variant of Uncertain Significance.

NM_001253697.2(ERBIN):c.3083T>C (p.Met1028Thr)

Gene: ERBIN (erbb2 interacting protein; plus strand). Cytogenetic location: 5q12.3.
Variant type: single nucleotide variant.
Coding change: c.3083T>C on transcript NM_001253697.2 (MANE Select); coding-DNA position 3083, T replaced by C.
Protein change: p.Met1028Thr; replaces methionine 1028 with threonine.
Molecular consequence: missense variant.
Genome position (GRCh38, 1-based): chr5:66,054,401, T>C. VCF-style: chr5-66054401-T-C. GRCh37 (hg19) VCF-style: chr5-65350229-T-C.
Other names: c.3083T>C, p.Met1028Thr (NM_001006600.3, NM_001253698.2, NM_001253699.2 and 1 more transcripts); c.3071T>C, p.Met1024Thr (NM_001253701.2); short protein forms M1024T, M1028T.
Identifiers: ClinVar variation 1345947 (VCV001345947.8), dbSNP rs2151240614, ClinGen allele CA359868828.